The following is an entry in ClinVar:

NM_001844.5(COL2A1):c.3781T>C (p.Ser1261Pro)

Gene: COL2A1 (collagen type II alpha 1 chain; minus strand). Cytogenetic location: 12q13.11.
Variant type: single nucleotide variant.
Coding change: c.3781T>C on transcript NM_001844.5 (MANE Select); coding-DNA position 3781, T replaced by C.
Protein change: p.Ser1261Pro; replaces serine 1261 with proline.
Molecular consequence: missense variant.
Genome position (GRCh38, 1-based): chr12:47,975,422, A>G on the plus strand (T>C on the coding strand, the complement: COL2A1 is on the minus strand). VCF-style: chr12-47975422-A-G. GRCh37 (hg19) VCF-style: chr12-48369205-A-G.
Other names: c.3574T>C, p.Ser1192Pro (NM_033150.3); short protein forms S1192P, S1261P.
Identifiers: ClinVar variation 4806410 (VCV004806410.1).
Genomic context (GRCh38, chr12:47,975,422, plus strand): 5'-GAGCAGGGTTCTTGCGGGAGCCCTCGGGGCTGCGGATGCTCTCAATCTGGTTGTTGAGGG[A>G]CTTGAGTGTGGCATCCACCTCGGCGTCATGCTGTCTCAGGCCACCGGCTGCCTGGTCGGC-3'
Protein context (NP_001835.3, residues 1251-1271): HDAEVDATLK[Ser1261Pro]LNNQIESIRS

ClinVar aggregate classification (germline): Uncertain significance (1 of 4 stars; one submission).

Submission:

Labcorp Genetics (formerly Invitae), Labcorp
Classification: Uncertain significance. Last evaluated: 2025-03-05. Review status: criteria provided, single submitter. Criteria: Invitae Variant Classification Sherloc (09022015). Collection method: clinical testing. Allele origin: germline.
Comment: This sequence change replaces serine, which is neutral and polar, with proline, which is neutral and non-polar, at codon 1261 of the COL2A1 protein (p.Ser1261Pro). This variant is not present in population databases (gnomAD no frequency). This variant has not been reported in the literature in individuals affected with COL2A1-related conditions. Invitae Evidence Modeling of protein sequence and biophysical properties (such as structural, functional, and spatial information, amino acid conservation, physicochemical variation, residue mobility, and thermodynamic stability) indicates that this missense variant is not expected to disrupt COL2A1 protein function with a negative predictive value of 95%. In summary, the available evidence is currently insufficient to determine the role of this variant in disease. Therefore, it has been classified as a Variant of Uncertain Significance.